The following is an entry in ClinVar:

ClinVar aggregate classification (germline): Uncertain significance (1 of 4 stars; one submission).

Submission:

Labcorp Genetics (formerly Invitae), Labcorp
Classification: Uncertain significance. Last evaluated: 2022-07-26. Review status: criteria provided, single submitter. Criteria: Invitae Variant Classification Sherloc (09022015). Collection method: clinical testing. Allele origin: germline.
Comment: This sequence change replaces glutamic acid, which is acidic and polar, with alanine, which is neutral and non-polar, at codon 900 of the AMER1 protein (p.Glu900Ala). This variant is not present in population databases (gnomAD no frequency). This variant has not been reported in the literature in individuals affected with AMER1-related conditions. Algorithms developed to predict the effect of missense changes on protein structure and function are either unavailable or do not agree on the potential impact of this missense change (SIFT: "Deleterious"; PolyPhen-2: "Benign"; Align-GVGD: "Class C0"). In summary, the available evidence is currently insufficient to determine the role of this variant in disease. Therefore, it has been classified as a Variant of Uncertain Significance.

NM_152424.4(AMER1):c.2699A>C (p.Glu900Ala)

Gene: AMER1 (APC membrane recruitment protein 1; minus strand). Cytogenetic location: Xq11.2.
Variant type: single nucleotide variant.
Coding change: c.2699A>C on transcript NM_152424.4 (MANE Select); coding-DNA position 2699, A replaced by C.
Protein change: p.Glu900Ala; replaces glutamic acid 900 with alanine.
Molecular consequence: missense variant.
Genome position (GRCh38, 1-based): chrX:64,190,588, T>G on the plus strand (A>C on the coding strand, the complement: AMER1 is on the minus strand). VCF-style: chrX-64190588-T-G. GRCh37 (hg19) VCF-style: chrX-63410468-T-G.
Other names: short protein forms E900A.
Identifiers: ClinVar variation 1957268 (VCV001957268.5), dbSNP rs2147085487, ClinGen allele CA413302391.
Genomic context (GRCh38, chrX:64,190,588, plus strand): 5'-TCATCAGACTCGAGGTAGCCCTGGACCAAGTGGGAATTGGAGAGCTCCATCTCCAGGGTC[T>G]CTGCAGTGTCGAGAGAGCGGCTTCTCCTGTTGAGGGCCATAGCAGCAGGTGGAGGTCGAG-3'
Protein context (NP_689637.3, residues 890-910): NRRSRSLDTA[Glu900Ala]TLEMELSNSH